The following is an entry in ClinVar:

NM_000548.5(TSC2):c.2098-12C>G

Gene: TSC2 (TSC complex subunit 2; plus strand). Cytogenetic location: 16p13.3.
Variant type: single nucleotide variant.
Coding change: c.2098-12C>G on transcript NM_000548.5 (MANE Select); 12 bases into the intron before coding-DNA position 2098, C replaced by G.
Molecular consequence: intron variant.
Genome position (GRCh38, 1-based): chr16:2,072,229, C>G. VCF-style: chr16-2072229-C-G. GRCh37 (hg19) VCF-style: chr16-2122230-C-G.
Other names: c.2098-12C>G (NM_001114382.3, NM_021055.3, NM_001370405.1 and 3 more transcripts); c.1987-12C>G (NM_001318827.2); c.1498-12C>G (NM_001318831.2); c.1951-12C>G (NM_001318829.2); c.2131-12C>G (NM_001318832.2).
Identifiers: ClinVar variation 681144 (VCV000681144.8), dbSNP rs1460403520, ClinGen allele CA718909525.

ClinVar aggregate classification (germline): Likely benign. Review status: criteria provided, multiple submitters, no conflicts (2 of 4 stars). 2 submissions from 2 submitters: Likely benign (2). Last evaluated 2025-10-20.

Conditions:
Tuberous sclerosis 2 (TSC2). Identifiers: Orphanet 805, MedGen C1860707, MONDO:0013199, OMIM 613254.

Allele frequency attached by ClinVar (database versions not stated): gnomAD 0.00001; TOPMed 0.00001.
gnomAD v4.1: 6 of 1,613,850 alleles (0.00037%); highest among the groups gnomAD compares: African/African-American, 0.004%; no homozygotes.

Submissions (2):

Labcorp Genetics (formerly Invitae), Labcorp
Classification: Likely benign for Tuberous sclerosis 2. Last evaluated: 2025-10-20. Review status: criteria provided, single submitter. Criteria: Invitae Variant Classification Sherloc (09022015). Collection method: clinical testing. Allele origin: germline.

GeneDx
Classification: Likely benign. Last evaluated: 2018-03-21. Review status: criteria provided, single submitter. Criteria: GeneDx Variant Classification (06012015). Collection method: clinical testing. Allele origin: germline. Affected: yes.
Comment: This variant is considered likely benign or benign based on one or more of the following criteria: it is a conservative change, it occurs at a poorly conserved position in the protein, it is predicted to be benign by multiple in silico algorithms, and/or has population frequency not consistent with disease.